The following is an entry in ClinVar:

ClinVar aggregate classification (germline): Benign/Likely benign. Review status: criteria provided, multiple submitters, no conflicts (2 of 4 stars). 6 submissions from 6 submitters: Benign (2); Likely benign (3). 1 of the submissions does not count toward it. Last evaluated 2025-08-13.

Conditions:
Inborn genetic diseases. Identifiers: MedGen C0950123, MeSH D030342.
ANKRD26-related disorder. Also called: ANKRD26-related condition.

Allele frequency attached by ClinVar (database versions not stated): TOPMed 0.00007; ESP Exome Variant Server 0.00008; 1000 Genomes Project 30x 0.00016; gnomAD 0.00017; 1000 Genomes Project 0.00020; gnomAD exomes 0.00020; ExAC 0.00042.
gnomAD v4.1: 322 of 1,613,900 alleles (0.02%); highest among the groups gnomAD compares: South Asian, 0.26%; 10 homozygotes.

Submissions (6):

Labcorp Genetics (formerly Invitae), Labcorp
Classification: Benign. Last evaluated: 2025-08-13. Review status: criteria provided, single submitter. Criteria: Invitae Variant Classification Sherloc (09022015). Collection method: clinical testing. Allele origin: germline.

Mayo Clinic Laboratories, Mayo Clinic
Classification: Likely benign. Last evaluated: 2025-07-14. Review status: criteria provided, single submitter. Criteria: ACMG Guidelines, 2015. Collection method: clinical testing. Allele origin: germline. Observed: 2 variant alleles.
Comment: BS1, BP4_moderate

Laboratory of Genetics, Children's Clinical University Hospital Latvia
Classification: Benign. Last evaluated: 2025-02-16. Review status: criteria provided, single submitter. Criteria: ACMG Guidelines, 2015. Collection method: clinical testing. Allele origin: germline. Affected: yes.

Ambry Genetics
Classification: Likely benign for Inborn genetic diseases. Last evaluated: 2024-11-22. Review status: criteria provided, single submitter. Criteria: Ambry Variant Classification Scheme 2023. Collection method: clinical testing. Allele origin: germline.

Blueprint Genetics
Classification: Likely benign. Last evaluated: 2023-11-15. Review status: criteria provided, single submitter. Criteria: ACMG Guidelines, 2015. Collection method: clinical testing. Allele origin: germline.

PreventionGenetics, part of Exact Sciences
Classification: Likely benign for ANKRD26-related condition. Last evaluated: 2020-08-26. Review status: no assertion criteria provided. Collection method: clinical testing. Allele origin: germline. Not counted in ClinVar's aggregate classification.
Comment: This variant is classified as likely benign based on ACMG/AMP sequence variant interpretation guidelines (Richards et al. 2015 PMID: 25741868, with internal and published modifications).

NM_014915.3(ANKRD26):c.1867C>T (p.Arg623Trp)

Gene: ANKRD26 (ankyrin repeat domain 26; minus strand). Cytogenetic location: 10p12.1.
Variant type: single nucleotide variant.
Coding change: c.1867C>T on transcript NM_014915.3 (MANE Select); coding-DNA position 1867, C replaced by T.
Protein change: p.Arg623Trp; replaces arginine 623 with tryptophan.
Molecular consequence: missense variant.
Genome position (GRCh38, 1-based): chr10:27,046,471, G>A on the plus strand (C>T on the coding strand, the complement: ANKRD26 is on the minus strand). VCF-style: chr10-27046471-G-A. GRCh37 (hg19) VCF-style: chr10-27335400-G-A.
Other names: p.Arg623Trp; c.1864C>T, p.Arg622Trp (NM_001256053.2); short protein forms R622W, R623W.
Identifiers: ClinVar variation 2080204 (VCV002080204.10), dbSNP rs373644875, ClinGen allele CA5448383.
Genomic context (GRCh38, chr10:27,046,471, plus strand): 5'-CACCAGTTAGTAAACTGGCCTTCCCAAACACTGGTGAATTCACAGATTCTTTCGAGGTCC[G>A]TTTTTCTTTTTCAGTGCTCTTTACTTCCTTCATTTGCAAGGCAGGACCACTACTTTAAAA-3'
Protein context (NP_055730.2, residues 613-633): KEVKSTEKEK[Arg623Trp]TSKESVNSPV